The following is an entry in ClinVar:

NM_001160372.4(TRAPPC9):c.860-12T>C

Gene: TRAPPC9 (trafficking protein particle complex subunit 9; minus strand). Cytogenetic location: 8q24.3.
Variant type: single nucleotide variant.
Coding change: c.860-12T>C on transcript NM_001160372.4 (MANE Select); 12 bases into the intron before coding-DNA position 860, T replaced by C.
Molecular consequence: intron variant.
Genome position (GRCh38, 1-based): chr8:140,426,653, A>G on the plus strand (T>C on the coding strand, the complement: TRAPPC9 is on the minus strand). VCF-style: chr8-140426653-A-G. GRCh37 (hg19) VCF-style: chr8-141436752-A-G.
Other names: c.860-12T>C (NM_031466.8, NM_001374684.1, NM_001374683.1); c.859+8459T>C (NM_001321646.2); c.881-12T>C (NM_001374682.1).
Identifiers: ClinVar variation 2109861 (VCV002109861.4), dbSNP rs2540411948, ClinGen allele CA2579259812.

ClinVar aggregate classification (germline): Uncertain significance (1 of 4 stars; one submission).

Submission:

Labcorp Genetics (formerly Invitae), Labcorp
Classification: Uncertain significance. Last evaluated: 2023-10-13. Review status: criteria provided, single submitter. Criteria: Invitae Variant Classification Sherloc (09022015). Collection method: clinical testing. Allele origin: germline.
Comment: This sequence change falls in intron 4 of the TRAPPC9 gene. It does not directly change the encoded amino acid sequence of the TRAPPC9 protein. This variant is not present in population databases (gnomAD no frequency). This variant has not been reported in the literature in individuals affected with TRAPPC9-related conditions. ClinVar contains an entry for this variant (Variation ID: 2109861). Algorithms developed to predict the effect of sequence changes on RNA splicing suggest that this variant may disrupt the consensus splice site. In summary, the available evidence is currently insufficient to determine the role of this variant in disease. Therefore, it has been classified as a Variant of Uncertain Significance.